The following is an entry in ClinVar:

ClinVar aggregate classification (germline): Uncertain significance. Review status: criteria provided, multiple submitters, no conflicts (2 of 4 stars). 2 submissions from 2 submitters: Uncertain significance (2). Last evaluated 2025-06-01.

gnomAD v4.1: 20 of 1,611,706 alleles (0.0012%); highest among the groups gnomAD compares: East Asian, 0.016%; no homozygotes.

Submissions (2):

CeGaT Center for Human Genetics Tuebingen
Classification: Uncertain significance. Last evaluated: 2025-06-01. Review status: criteria provided, single submitter. Criteria: CeGaT Center For Human Genetics Tuebingen Variant Classification Criteria Version 2. Collection method: clinical testing. Allele origin: germline. Affected: yes. Observed: 1 variant allele.
Comment: XYLT2: PM2

Labcorp Genetics (formerly Invitae), Labcorp
Classification: Uncertain significance. Last evaluated: 2022-06-11. Review status: criteria provided, single submitter. Criteria: Invitae Variant Classification Sherloc (09022015). Collection method: clinical testing. Allele origin: germline.
Comment: This sequence change replaces serine, which is neutral and polar, with arginine, which is basic and polar, at codon 591 of the XYLT2 protein (p.Ser591Arg). This variant is present in population databases (rs769862588, gnomAD 0.01%). This variant has not been reported in the literature in individuals affected with XYLT2-related conditions. Algorithms developed to predict the effect of missense changes on protein structure and function are either unavailable or do not agree on the potential impact of this missense change (SIFT: "Tolerated"; PolyPhen-2: "Possibly Damaging"; Align-GVGD: "Class C0"). In summary, the available evidence is currently insufficient to determine the role of this variant in disease. Therefore, it has been classified as a Variant of Uncertain Significance.

NM_022167.4(XYLT2):c.1773C>A (p.Ser591Arg)

Gene: XYLT2 (xylosyltransferase 2; plus strand). Cytogenetic location: 17q21.33.
Variant type: single nucleotide variant.
Coding change: c.1773C>A on transcript NM_022167.4 (MANE Select); coding-DNA position 1773, C replaced by A.
Protein change: p.Ser591Arg; replaces serine 591 with arginine.
Molecular consequence: missense variant.
Genome position (GRCh38, 1-based): chr17:50,357,084, C>A. VCF-style: chr17-50357084-C-A. GRCh37 (hg19) VCF-style: chr17-48434445-C-A.
Other names: short protein forms S591R.
Identifiers: ClinVar variation 2195644 (VCV002195644.9), dbSNP rs769862588, ClinGen allele CA8646567.